The following is an entry in ClinVar:

ClinVar aggregate classification (germline): Likely benign (1 of 4 stars; one submission).

gnomAD v4.1: 150 of 1,426,420 alleles (0.011%); highest among the groups gnomAD compares: South Asian, 0.15%; 1 homozygote.

Submission:

CeGaT Center for Human Genetics Tuebingen
Classification: Likely benign. Last evaluated: 2024-09-01. Review status: criteria provided, single submitter. Criteria: CeGaT Center For Human Genetics Tuebingen Variant Classification Criteria Version 2. Collection method: clinical testing. Allele origin: germline. Affected: yes. Observed: 1 variant allele.
Comment: PMP22: BP4, BP7

NM_000304.4(PMP22):c.*92A>C

Gene: PMP22 (peripheral myelin protein 22; minus strand). Cytogenetic location: 17p12.
Variant type: single nucleotide variant.
Coding change: c.*92A>C on transcript NM_000304.4 (MANE Select); 92 bases downstream of the stop codon, A replaced by C.
Molecular consequence: 3 prime UTR variant. On other transcripts: non-coding transcript variant (2).
Genome position (GRCh38, 1-based): chr17:15,230,825, T>G on the plus strand (A>C on the coding strand, the complement: PMP22 is on the minus strand). VCF-style: chr17-15230825-T-G. GRCh37 (hg19) VCF-style: chr17-15134142-T-G.
Other names: c.*92A>C (NM_001281455.2, NM_001281456.2, NM_153321.3 and 1 more transcripts).
Identifiers: ClinVar variation 3388787 (VCV003388787.14).
Genomic context (GRCh38, chr17:15,230,825, plus strand): 5'-AATCAACAGCAACCCCCACCTCCACTGCTTTCTGTTTGGTTTGGTTTGAGTTTGGGATTT[T>G]GGGCTAGCTCTTTTTTCTTTGTCTGCTTTCTGTTTTCCCTTCCTCCCTTCCCTATGTACG-3'